The following is an entry in ClinVar:

ClinVar aggregate classification (germline): Uncertain significance (1 of 4 stars; one submission).

Conditions:
Inborn genetic diseases. Identifiers: MedGen C0950123, MeSH D030342.

Submission:

Ambry Genetics
Classification: Uncertain significance for Inborn genetic diseases. Last evaluated: 2025-06-08. Review status: criteria provided, single submitter. Criteria: Ambry Variant Classification Scheme 2023. Collection method: clinical testing. Allele origin: germline.
Comment: The p.R1055G variant (also known as c.3163A>G), located in coding exon 14 of the MECOM gene, results from an A to G substitution at nucleotide position 3163. The arginine at codon 1055 is replaced by glycine, an amino acid with dissimilar properties. This amino acid position is conserved. In addition, this alteration is predicted to be tolerated by in silico analysis. Based on the available evidence, the clinical significance of this variant remains unclear.

NM_004991.4(MECOM):c.3163A>G (p.Arg1055Gly)

Gene: MECOM (MDS1 and EVI1 complex locus; minus strand). Cytogenetic location: 3q26.2.
Variant type: single nucleotide variant.
Coding change: c.3163A>G on transcript NM_004991.4 (MANE Select); coding-DNA position 3163, A replaced by G.
Protein change: p.Arg1055Gly; replaces arginine 1055 with glycine.
Molecular consequence: missense variant.
Genome position (GRCh38, 1-based): chr3:169,092,959, T>C on the plus strand (A>G on the coding strand, the complement: MECOM is on the minus strand). VCF-style: chr3-169092959-T-C. GRCh37 (hg19) VCF-style: chr3-168810747-T-C.
Other names: c.2794A>G, p.Arg932Gly (NM_001105077.4); c.2599A>G, p.Arg867Gly (NM_001105078.4, NM_001205194.2, NM_001366469.2 and 1 more transcripts); c.2575A>G, p.Arg859Gly (NM_001163999.2, NM_001366470.2); c.2572A>G, p.Arg858Gly (NM_001164000.2, NM_001366471.2, NM_001366472.2); c.3136A>G, p.Arg1046Gly (NM_001366466.2); c.2602A>G, p.Arg868Gly (NM_001366467.2, NM_001366468.2); c.2164A>G, p.Arg722Gly (NM_001366473.2); c.1600A>G, p.Arg534Gly (NM_001366474.2); short protein forms R534G, R722G, R859G, R868G, R932G, R1046G, R1055G, R858G.
Identifiers: ClinVar variation 4053322 (VCV004053322.1).